The following is an entry in ClinVar:

ClinVar aggregate classification (germline): Uncertain significance. Review status: criteria provided, multiple submitters, no conflicts (2 of 4 stars). 3 submissions from 3 submitters: Uncertain significance (3). Last evaluated 2021-12-01.

Conditions:
Intellectual disability, autosomal dominant 16 (CSS4). Also called: COFFIN-SIRIS SYNDROME 4. Identifiers: Orphanet 1465, MedGen C3553249, MONDO:0013821, OMIM 614609.
Rhabdoid tumor predisposition syndrome 2 (RTPS2). Identifiers: Orphanet 231108, Orphanet 69077, MedGen C2750074, MONDO:0013224, OMIM 613325.

Submissions (3):

GeneDx
Classification: Uncertain significance. Last evaluated: 2021-12-01. Review status: criteria provided, single submitter. Criteria: GeneDx Variant Classification Process June 2021. Collection method: clinical testing. Allele origin: germline. Affected: yes.
Comment: Not observed at significant frequency in large population cohorts (Lek et al., 2016); In silico analysis supports that this missense variant has a deleterious effect on protein structure/function; Has not been previously published as pathogenic or benign to our knowledge

Genome-Nilou Lab
Classification: Uncertain significance for Intellectual disability, autosomal dominant 16. Last evaluated: 2021-07-15. Review status: criteria provided, single submitter. Criteria: ACMG Guidelines, 2015. Collection method: clinical testing. Allele origin: germline. Affected: no.

Labcorp Genetics (formerly Invitae), Labcorp
Classification: Uncertain significance for Rhabdoid tumor predisposition syndrome 2. Last evaluated: 2019-08-26. Review status: criteria provided, single submitter. Criteria: Invitae Variant Classification Sherloc (09022015). Collection method: clinical testing. Allele origin: germline.
Comment: In summary, the available evidence is currently insufficient to determine the role of this variant in disease. Therefore, it has been classified as a Variant of Uncertain Significance. Algorithms developed to predict the effect of missense changes on protein structure and function are either unavailable or do not agree on the potential impact of this missense change (SIFT: "Deleterious"; PolyPhen-2: "Benign"; Align-GVGD: "Class C65"). This variant has not been reported in the literature in individuals with SMARCA4-related conditions. This variant is not present in population databases (ExAC no frequency). This sequence change replaces proline with leucine at codon 61 of the SMARCA4 protein (p.Pro61Leu). The proline residue is highly conserved and there is a moderate physicochemical difference between proline and leucine.

NM_003072.5(SMARCA4):c.182C>T (p.Pro61Leu)

Gene: SMARCA4 (SWI/SNF related BAF chromatin remodeling complex subunit ATPase 4; plus strand). Cytogenetic location: 19p13.2.
Variant type: single nucleotide variant.
Coding change: c.182C>T on transcript NM_003072.5 (MANE Select); coding-DNA position 182, C replaced by T.
Protein change: p.Pro61Leu; replaces proline 61 with leucine.
Molecular consequence: missense variant. On other transcripts: non-coding transcript variant (1).
Genome position (GRCh38, 1-based): chr19:10,984,333, C>T. VCF-style: chr19-10984333-C-T. GRCh37 (hg19) VCF-style: chr19-11095009-C-T.
Other names: c.182C>T, p.Pro61Leu (NM_001128844.3, NM_001128845.2, NM_001128846.2 and 4 more transcripts); short protein forms P61L.
Identifiers: ClinVar variation 941608 (VCV000941608.13), dbSNP rs2085820972, ClinGen allele CA404054581.